The following is an entry in ClinVar:

NC_000013.11:g.(?_100268679)_(100268793_?)del

Gene: PCCA (propionyl-CoA carboxylase subunit alpha; plus strand). Cytogenetic location: 13q32.3.
Variant type: Deletion.
Identifiers: ClinVar variation 831931 (VCV000831931.5).

ClinVar aggregate classification (germline): Pathogenic (1 of 4 stars; one submission).

Conditions:
Propionic acidemia (PROP). Also called: GLYCINEMIA, KETOTIC; HYPERGLYCINEMIA WITH KETOACIDOSIS AND LEUKOPENIA; KETOTIC HYPERGLYCINEMIA. Identifiers: Orphanet 35, MedGen C0268579, MONDO:0011628, OMIM 606054, HP:0003571.

Submission:

Labcorp Genetics (formerly Invitae), Labcorp
Classification: Pathogenic for Propionic acidemia. Last evaluated: 2019-10-13. Review status: criteria provided, single submitter. Criteria: Invitae Variant Classification Sherloc (09022015). Collection method: clinical testing. Allele origin: germline.
Comment: For these reasons, this variant has been classified as Pathogenic. Loss-of-function variants in PCCA are known to be pathogenic (PMID: 15464417). This variant has not been reported in the literature in individuals with PCCA-related conditions. This variant is an out-of-frame deletion of the genomic region encompassing exons 11 of the PCCA gene. This is expected to create a premature translational stop signal and result in an absent or disrupted protein product.

Literature cited by the submitters: PubMed 15464417.